The following is an entry in ClinVar:

NM_002010.3(FGF9):c.38T>A (p.Val13Glu)

Gene: FGF9 (fibroblast growth factor 9; plus strand). Cytogenetic location: 13q12.11.
Variant type: single nucleotide variant.
Coding change: c.38T>A on transcript NM_002010.3 (MANE Select); coding-DNA position 38, T replaced by A.
Protein change: p.Val13Glu; replaces valine 13 with glutamic acid.
Molecular consequence: missense variant.
Genome position (GRCh38, 1-based): chr13:21,671,950, T>A. VCF-style: chr13-21671950-T-A. GRCh37 (hg19) VCF-style: chr13-22246089-T-A.
Other names: short protein forms V13E.
Identifiers: ClinVar variation 1498349 (VCV001498349.6), dbSNP rs182718810, ClinGen allele CA387673797.

ClinVar aggregate classification (germline): Uncertain significance (1 of 4 stars; one submission).

Allele frequency attached by ClinVar (database versions not stated): gnomAD exomes below 0.00001.
gnomAD v4.1: 2 of 1,614,096 alleles (0.00012%); highest among the groups gnomAD compares: African/African-American, 0.0013%; no homozygotes.

Submission:

Labcorp Genetics (formerly Invitae), Labcorp
Classification: Uncertain significance. Last evaluated: 2021-10-20. Review status: criteria provided, single submitter. Criteria: Invitae Variant Classification Sherloc (09022015). Collection method: clinical testing. Allele origin: germline.
Comment: Algorithms developed to predict the effect of missense changes on protein structure and function (SIFT, PolyPhen-2, Align-GVGD) all suggest that this variant is likely to be tolerated. This variant has not been reported in the literature in individuals affected with FGF9-related conditions. This variant is not present in population databases (ExAC no frequency). This sequence change replaces valine with glutamic acid at codon 13 of the FGF9 protein (p.Val13Glu). The valine residue is highly conserved and there is a moderate physicochemical difference between valine and glutamic acid. Algorithms developed to predict the effect of sequence changes on RNA splicing suggest that this variant may create or strengthen a splice site. In summary, the available evidence is currently insufficient to determine the role of this variant in disease. Therefore, it has been classified as a Variant of Uncertain Significance.